The following is an entry in ClinVar:

ClinVar aggregate classification (germline): Uncertain significance (1 of 4 stars; one submission).

Conditions:
Hereditary diffuse gastric adenocarcinoma (HDGC). Also called: DIFFUSE GASTRIC AND LOBULAR BREAST CANCER SYNDROME. Identifiers: Orphanet 26106, MedGen C1708349, MONDO:0007648, OMIM 137215.

Submission:

Labcorp Genetics (formerly Invitae), Labcorp
Classification: Uncertain significance for Hereditary diffuse gastric adenocarcinoma. Last evaluated: 2021-10-04. Review status: criteria provided, single submitter. Criteria: Invitae Variant Classification Sherloc (09022015). Collection method: clinical testing. Allele origin: germline.
Comment: In summary, the available evidence is currently insufficient to determine the role of this variant in disease. Therefore, it has been classified as a Variant of Uncertain Significance. This sequence change replaces proline with serine at codon 172 of the CDH1 protein (p.Pro172Ser). The proline residue is highly conserved and there is a moderate physicochemical difference between proline and serine. This variant is not present in population databases (ExAC no frequency). This variant has not been reported in the literature in individuals affected with CDH1-related conditions. Algorithms developed to predict the effect of missense changes on protein structure and function (SIFT, PolyPhen-2, Align-GVGD) all suggest that this variant is likely to be disruptive.

NM_004360.5(CDH1):c.514C>T (p.Pro172Ser)

Gene: CDH1 (cadherin 1; plus strand). Cytogenetic location: 16q22.1.
Variant type: single nucleotide variant.
Coding change: c.514C>T on transcript NM_004360.5 (MANE Select); coding-DNA position 514, C replaced by T.
Protein change: p.Pro172Ser; replaces proline 172 with serine.
Molecular consequence: missense variant. On other transcripts: 5 prime UTR variant (2).
Genome position (GRCh38, 1-based): chr16:68,808,550, C>T. VCF-style: chr16-68808550-C-T. GRCh37 (hg19) VCF-style: chr16-68842453-C-T.
Other names: c.514C>T, p.Pro172Ser (NM_001317184.2); c.-1102C>T (NM_001317185.2); c.-1306C>T (NM_001317186.2); short protein forms P172S.
Identifiers: ClinVar variation 1494227 (VCV001494227.6), dbSNP rs2152129811, ClinGen allele CA396457786.